The following is an entry in ClinVar:

NM_001069.3(TUBB2A):c.1111A>G (p.Ser371Gly)

Gene: TUBB2A (tubulin beta 2A class IIa; minus strand). Cytogenetic location: 6p25.2.
Variant type: single nucleotide variant.
Coding change: c.1111A>G on transcript NM_001069.3 (MANE Select); coding-DNA position 1111, A replaced by G.
Protein change: p.Ser371Gly; replaces serine 371 with glycine.
Molecular consequence: missense variant.
Genome position (GRCh38, 1-based): chr6:3,154,090, T>C on the plus strand (A>G on the coding strand, the complement: TUBB2A is on the minus strand). VCF-style: chr6-3154090-T-C. GRCh37 (hg19) VCF-style: chr6-3154324-T-C.
Other names: c.856A>G, p.Ser286Gly (NM_001310315.2); short protein forms S371G, S286G.
Identifiers: ClinVar variation 1999451 (VCV001999451.4), dbSNP rs2533523742, ClinGen allele CA362591210.

ClinVar aggregate classification (germline): Uncertain significance (1 of 4 stars; one submission).

Submission:

Labcorp Genetics (formerly Invitae), Labcorp
Classification: Uncertain significance. Last evaluated: 2022-05-27. Review status: criteria provided, single submitter. Criteria: Invitae Variant Classification Sherloc (09022015). Collection method: clinical testing. Allele origin: germline.
Comment: This variant has not been reported in the literature in individuals affected with TUBB2A-related conditions. This variant is not present in population databases (gnomAD no frequency). This sequence change replaces serine, which is neutral and polar, with glycine, which is neutral and non-polar, at codon 371 of the TUBB2A protein (p.Ser371Gly). In summary, the available evidence is currently insufficient to determine the role of this variant in disease. Therefore, it has been classified as a Variant of Uncertain Significance. Advanced modeling of protein sequence and biophysical properties (such as structural, functional, and spatial information, amino acid conservation, physicochemical variation, residue mobility, and thermodynamic stability) performed at Invitae indicates that this missense variant is expected to disrupt TUBB2A protein function.